The following is an entry in ClinVar:

ClinVar aggregate classification (germline): Pathogenic (1 of 4 stars; one submission).

Conditions:
Hereditary cancer-predisposing syndrome. Also called: Neoplastic Syndromes, Hereditary; Tumor predisposition; Hereditary Cancer Syndrome; Hereditary neoplastic syndrome. Identifiers: Orphanet 140162, MedGen C0027672, MeSH D009386, MONDO:0015356.

Submission:

Ambry Genetics
Classification: Pathogenic for Hereditary cancer-predisposing syndrome. Last evaluated: 2021-02-26. Review status: criteria provided, single submitter. Criteria: Ambry Variant Classification Scheme 2023. Collection method: clinical testing. Allele origin: germline.
Comment: The c.2930_2936delACCAGCT pathogenic mutation, located in coding exon 4 of the MSH6 gene, results from a deletion of 7 nucleotides at nucleotide positions 2930 to 2936, causing a translational frameshift with a predicted alternate stop codon (p.Y977Wfs*18). This alteration is expected to result in loss of function by premature protein truncation or nonsense-mediated mRNA decay. As such, this alteration is interpreted as a disease-causing mutation.

NM_000179.3(MSH6):c.2930_2936del (p.Tyr977fs)

Gene: MSH6 (mutS homolog 6; plus strand). Cytogenetic location: 2p16.3.
Variant type: Deletion.
Coding change: c.2930_2936del on transcript NM_000179.3 (MANE Select); coding-DNA positions 2930 to 2936, 7 bases deleted (ACCAGCT; older notation c.2930_2936delACCAGCT).
Protein change: p.Tyr977fs; shifts the reading frame from tyrosine 977.
Molecular consequence: frameshift variant.
Genome position (GRCh38, 1-based): chr2:47,800,913-47,800,919, ACCAGCT deleted; deleting any 7 consecutive bases within chr2:47,800,912-47,800,919 gives the same sequence; the c. name uses the placement nearest the transcript's 3' end. VCF-style (leftmost placement, unchanged base first): chr2-47800911-TTACCAGC-T. GRCh37 (hg19) VCF-style: chr2-48028050-TTACCAGC-T.
Other names: c.2540_2546del, p.Tyr847fs (NM_001281492.2); c.2024_2030del, p.Tyr675fs (NM_001281493.2, NM_001281494.2); c.3026_3032delACCAGCT, p.Tyr1009Trpfs (NM_001406795.1, NM_001406802.1); c.2930_2936delACCAGCT, p.Tyr977Trpfs (NM_001406796.1, NM_001406798.1, NM_001406800.1 and 2 more transcripts); c.2633_2639delACCAGCT, p.Tyr878Trpfs (NM_001406797.1, NM_001406801.1, NM_001406805.1 and 10 more transcripts); c.2405_2411delACCAGCT, p.Tyr802Trpfs (NM_001406799.1, NM_001406806.1, NM_001406807.1); c.2852_2858delACCAGCT, p.Tyr951Trpfs (NM_001406804.1); c.2024_2030delACCAGCT, p.Tyr675Trpfs (NM_001406811.1, NM_001406812.1, NM_001406814.1 and 4 more transcripts); and 3 more; short protein forms Y675fs, Y847fs, Y977fs.
Identifiers: ClinVar variation 1797806 (VCV001797806.2), dbSNP rs2530702365, ClinGen allele CA2580068108.
Genomic context (GRCh38, chr2:47,800,911, plus strand): 5'-GAAACAGCGCAACAGAATTGGCTGTAGGACCATAGTCTATTGGGGGATTGGTAGGAACCG[TTACCAGC>T]TGGAAATTCCTGAGAATTTCACCACTCGCAATTTGCCAGAAGAATACGAGTTGAAATCTA-3'